The following is an entry in ClinVar:

ClinVar aggregate classification (germline): Uncertain significance (1 of 4 stars; one submission).

Conditions:
Myofibrillar myopathy 4. Also called: Zaspopathy (type). Identifiers: Orphanet 98912, MedGen C4721886, MONDO:0012277, OMIM 609452.

gnomAD v4.1: 1 of 1,613,622 alleles (0.000062%); no homozygotes.

Submission:

Labcorp Genetics (formerly Invitae), Labcorp
Classification: Uncertain significance for Myofibrillar myopathy 4. Last evaluated: 2022-03-17. Review status: criteria provided, single submitter. Criteria: Invitae Variant Classification Sherloc (09022015). Collection method: clinical testing. Allele origin: germline.
Comment: Variants that disrupt the consensus splice site are a relatively common cause of aberrant splicing (PMID: 17576681, 9536098). Algorithms developed to predict the effect of sequence changes on RNA splicing suggest that this variant may disrupt the consensus splice site. In summary, the available evidence is currently insufficient to determine the role of this variant in disease. Therefore, it has been classified as a Variant of Uncertain Significance. This variant has not been reported in the literature in individuals affected with LDB3-related conditions. This variant is not present in population databases (gnomAD no frequency). This sequence change falls in intron 11 of the LDB3 gene. It does not directly change the encoded amino acid sequence of the LDB3 protein. It affects a nucleotide within the consensus splice site. The LDB3 gene has multiple clinically relevant transcripts. This variant occurs in alternate transcript NM_007078.3, and corresponds to NM_001080116.1:c.*18776T>C in the primary transcript.

Literature cited by the submitters: PubMed 17576681; PubMed 9536098.

NM_007078.3(LDB3):c.1857+6T>C

Gene: LDB3 (LIM domain binding 3; plus strand). Cytogenetic location: 10q23.2.
Variant type: single nucleotide variant.
Coding change: c.1857+6T>C on transcript NM_007078.3 (MANE Select); 6 bases into the intron after coding-DNA position 1857, T replaced by C.
Molecular consequence: intron variant.
Genome position (GRCh38, 1-based): chr10:86,718,150, T>C. VCF-style: chr10-86718150-T-C. GRCh37 (hg19) VCF-style: chr10-88477907-T-C.
Other names: c.1668+6T>C (NM_001368064.1, NM_001368065.1); c.1872+6T>C (NM_001171610.2); c.1716+6T>C (NM_001368066.1); c.1527+6T>C (NM_001080114.2).
Identifiers: ClinVar variation 1402780 (VCV001402780.6), dbSNP rs2132485825, ClinGen allele CA2573145671.